The following is an entry in ClinVar:

ClinVar aggregate classification (germline): Uncertain significance. Review status: criteria provided, multiple submitters, no conflicts (2 of 4 stars). 3 submissions from 3 submitters: Uncertain significance (3). Last evaluated 2023-04-11.

Conditions:
Inborn genetic diseases. Identifiers: MedGen C0950123, MeSH D030342.
Juvenile onset Parkinson disease 19A. Also called: DNAJC6 Parkinson Disease; PARK19. Identifiers: Orphanet 391411, MedGen C3809811, MONDO:0014231, OMIM 615528.

Allele frequency attached by ClinVar (database versions not stated): ExAC 0.00002; gnomAD 0.00002; TOPMed 0.00002; gnomAD exomes 0.00003.
gnomAD v4.1: 42 of 1,614,058 alleles (0.0026%); highest among the groups gnomAD compares: South Asian, 0.0055%; no homozygotes.

Submissions (3):

Genome-Nilou Lab
Classification: Uncertain significance for Juvenile onset Parkinson disease 19A. Last evaluated: 2023-04-11. Review status: criteria provided, single submitter. Criteria: ACMG Guidelines, 2015. Collection method: clinical testing. Allele origin: germline. Affected: no.

Labcorp Genetics (formerly Invitae), Labcorp
Classification: Uncertain significance for Juvenile onset Parkinson disease 19A. Last evaluated: 2022-07-08. Review status: criteria provided, single submitter. Criteria: Invitae Variant Classification Sherloc (09022015). Collection method: clinical testing. Allele origin: germline.
Comment: This sequence change replaces alanine, which is neutral and non-polar, with valine, which is neutral and non-polar, at codon 770 of the DNAJC6 protein (p.Ala770Val). This variant is present in population databases (rs762235583, gnomAD 0.01%). This variant has not been reported in the literature in individuals affected with DNAJC6-related conditions. Algorithms developed to predict the effect of missense changes on protein structure and function (SIFT, PolyPhen-2, Align-GVGD) all suggest that this variant is likely to be tolerated. Algorithms developed to predict the effect of sequence changes on RNA splicing suggest that this variant may create or strengthen a splice site. In summary, the available evidence is currently insufficient to determine the role of this variant in disease. Therefore, it has been classified as a Variant of Uncertain Significance.

Ambry Genetics
Classification: Uncertain significance for Inborn genetic diseases. Last evaluated: 2021-06-06. Review status: criteria provided, single submitter. Criteria: Ambry Variant Classification Scheme 2023. Collection method: clinical testing. Allele origin: germline.

NM_001256864.2(DNAJC6):c.2309C>T (p.Ala770Val)

Gene: DNAJC6 (DnaJ heat shock protein family (Hsp40) member C6; plus strand). Cytogenetic location: 1p31.3.
Variant type: single nucleotide variant.
Coding change: c.2309C>T on transcript NM_001256864.2 (MANE Select); coding-DNA position 2309, C replaced by T.
Protein change: p.Ala770Val; replaces alanine 770 with valine.
Molecular consequence: missense variant.
Genome position (GRCh38, 1-based): chr1:65,405,951, C>T. VCF-style: chr1-65405951-C-T. GRCh37 (hg19) VCF-style: chr1-65871634-C-T.
Other names: c.2099C>T, p.Ala700Val (NM_001256865.2); c.2138C>T, p.Ala713Val (NM_014787.4); short protein forms A713V, A700V, A770V.
Identifiers: ClinVar variation 1943951 (VCV001943951.4), dbSNP rs762235583, ClinGen allele CA894139.